The following is an entry in ClinVar:

NM_000426.4(LAMA2):c.7134G>A (p.Met2378Ile)

Gene: LAMA2 (laminin subunit alpha 2; plus strand). Cytogenetic location: 6q22.33.
Variant type: single nucleotide variant.
Coding change: c.7134G>A on transcript NM_000426.4 (MANE Select); coding-DNA position 7134, G replaced by A.
Protein change: p.Met2378Ile; replaces methionine 2378 with isoleucine.
Molecular consequence: missense variant.
Genome position (GRCh38, 1-based): chr6:129,464,431, G>A. VCF-style: chr6-129464431-G-A. GRCh37 (hg19) VCF-style: chr6-129785576-G-A.
Other names: c.7134G>A, p.Met2378Ile (NM_001079823.2); short protein forms M2378I.
Identifiers: ClinVar variation 1512183 (VCV001512183.8), dbSNP rs2114808490, ClinGen allele CA365620976.

ClinVar aggregate classification (germline): Uncertain significance (1 of 4 stars; one submission).

Conditions:
LAMA2-related muscular dystrophy (LAMA2-RD). Also called: Laminin alpha 2-related dystrophy. Identifiers: MedGen C5679788, MONDO:0100228.

Allele frequency attached by ClinVar (database versions not stated): gnomAD exomes below 0.00001.
gnomAD v4.1: 2 of 1,612,120 alleles (0.00012%); highest among the groups gnomAD compares: Non-Finnish European, 0.00017%; no homozygotes.

Submission:

Labcorp Genetics (formerly Invitae), Labcorp
Classification: Uncertain significance for LAMA2-related muscular dystrophy. Last evaluated: 2021-02-03. Review status: criteria provided, single submitter. Criteria: Invitae Variant Classification Sherloc (09022015). Collection method: clinical testing. Allele origin: germline.
Comment: In summary, the available evidence is currently insufficient to determine the role of this variant in disease. Therefore, it has been classified as a Variant of Uncertain Significance. Advanced modeling of protein sequence and biophysical properties (such as structural, functional, and spatial information, amino acid conservation, physicochemical variation, residue mobility, and thermodynamic stability) performed at Invitae indicates that this missense variant is not expected to disrupt LAMA2 protein function. This variant has not been reported in the literature in individuals with LAMA2-related conditions. This variant is not present in population databases (ExAC no frequency). This sequence change replaces methionine with isoleucine at codon 2378 of the LAMA2 protein (p.Met2378Ile). The methionine residue is moderately conserved and there is a small physicochemical difference between methionine and isoleucine.